The following is an entry in ClinVar:

ClinVar aggregate classification (germline): Pathogenic (1 of 4 stars; one submission).

Conditions:
Smith-Lemli-Opitz syndrome (SLOS). Also called: LETHAL ACRODYSGENITAL SYNDROME; POLYDACTYLY, SEX REVERSAL, RENAL HYPOPLASIA, AND UNILOBAR LUNG; RSH SYNDROME; RUTLEDGE LETHAL MULTIPLE CONGENITAL ANOMALY SYNDROME; 7-Dehydrocholesterol reductase deficiency. Identifiers: Orphanet 818, MedGen C0175694, MONDO:0010035, OMIM 270400.

Submission:

Labcorp Genetics (formerly Invitae), Labcorp
Classification: Pathogenic for Smith-Lemli-Opitz syndrome. Last evaluated: 2024-01-18. Review status: criteria provided, single submitter. Criteria: Invitae Variant Classification Sherloc (09022015). Collection method: clinical testing. Allele origin: germline.
Comment: This sequence change creates a premature translational stop signal (p.Thr89Ilefs*4) in the DHCR7 gene. It is expected to result in an absent or disrupted protein product. Loss-of-function variants in DHCR7 are known to be pathogenic (PMID: 9634533, 10677299). This variant is not present in population databases (gnomAD no frequency). This variant has not been reported in the literature in individuals affected with DHCR7-related conditions. For these reasons, this variant has been classified as Pathogenic.

Literature cited by the submitters: PubMed 9634533; PubMed 10677299.

NM_001360.3(DHCR7):c.266del (p.Thr89fs)

Gene: DHCR7 (7-dehydrocholesterol reductase; minus strand). Cytogenetic location: 11q13.4.
Variant type: Deletion.
Coding change: c.266del on transcript NM_001360.3 (MANE Select); coding-DNA position 266, one base deleted (C; older notation c.266delC).
Protein change: p.Thr89fs; shifts the reading frame from threonine 89.
Molecular consequence: frameshift variant.
Genome position (GRCh38, 1-based): chr11:71,444,048, G deleted on the plus strand (C on the coding strand, the reverse complement: DHCR7 is on the minus strand). VCF-style (leftmost placement, unchanged base first): chr11-71444047-AG-A. GRCh37 (hg19) VCF-style: chr11-71155093-AG-A.
Other names: c.266del, p.Thr89fs (NM_001163817.2); c.266delC, p.Thr89Ilefs (NM_001425107.1, NM_001425108.1, NM_001425109.1 and 7 more transcripts); c.170delC, p.Thr57Ilefs (NM_001425113.1, NM_001425114.1, NM_001425116.1); c.92delC, p.Thr31Ilefs (NM_001425117.1); short protein forms T89fs.
Identifiers: ClinVar variation 2709156 (VCV002709156.3), dbSNP rs2539236149, ClinGen allele CA2697548793.